The following is an entry in ClinVar:

ClinVar aggregate classification (germline): Uncertain significance (1 of 4 stars; one submission).

gnomAD v4.1: 43 of 1,614,070 alleles (0.0027%); highest among the groups gnomAD compares: South Asian, 0.022%; 1 homozygote.

Submission:

GeneDx
Classification: Uncertain significance. Last evaluated: 2024-03-13. Review status: criteria provided, single submitter. Criteria: GeneDx Variant Classification Process June 2021. Collection method: clinical testing. Allele origin: germline. Affected: yes.
Comment: In silico analysis supports that this missense variant has a deleterious effect on protein structure/function; Has not been previously published as pathogenic or benign to our knowledge

NM_001376571.1(MADD):c.269G>A (p.Arg90Gln)

Gene: MADD (MAP kinase activating death domain; plus strand). Cytogenetic location: 11p11.2.
Variant type: single nucleotide variant.
Coding change: c.269G>A on transcript NM_001376571.1 (MANE Select); coding-DNA position 269, G replaced by A.
Protein change: p.Arg90Gln; replaces arginine 90 with glutamine.
Molecular consequence: missense variant. On other transcripts: non-coding transcript variant (8), intron variant (1).
Genome position (GRCh38, 1-based): chr11:47,274,769, G>A. VCF-style: chr11-47274769-G-A. GRCh37 (hg19) VCF-style: chr11-47296320-G-A.
Other names: c.269G>A, p.Arg90Gln (NM_001376593.1, NM_001376594.1, NM_001376607.1 and 80 more transcripts); c.65G>A, p.Arg22Gln (NM_001376620.1, NM_001376626.1, NM_001376627.1 and 9 more transcripts); c.-7-1130G>A (NM_001376663.1); short protein forms R22Q, R90Q.
Identifiers: ClinVar variation 3373593 (VCV003373593.1).
Genomic context (GRCh38, chr11:47,274,769, plus strand): 5'-GCCTTCGGGATGATACCTCTTTTGTCTTCACCCTCACTGACAAGGACACTGGAGTCACGC[G>A]ATATGGCATCTGTGTTAACTTCTACCGCTCCTTCCAAAAGCGAATCTCTAAGGAGAAGGG-3'
Protein context (NP_001363500.1, residues 80-100): TLTDKDTGVT[Arg90Gln]YGICVNFYRS